The following is an entry in ClinVar:

ClinVar aggregate classification (germline): Uncertain significance. Review status: criteria provided, multiple submitters, no conflicts (2 of 4 stars). 3 submissions from 3 submitters: Uncertain significance (3). Last evaluated 2024-04-25.

Conditions:
RYR1-related disorder. Also called: RYR1-related disorders; RYR1-related condition. Identifiers: MedGen CN239331.
Malignant hyperthermia, susceptibility to, 1 (MHS1). Also called: Anesthesia related hyperthermia; Malignant hyperpyrexia; Fulminating hyperpyrexia; Pharmacogenic myopathy; RYR1-Related Malignant Hyperthermia Susceptibility; Malignant hyperthermia suceptibility 1. Identifiers: Orphanet 423, MedGen C2930980, MONDO:0007783, OMIM 145600.

Submissions (3):

All of Us Research Program, National Institutes of Health
Classification: Uncertain significance for Malignant hyperthermia, susceptibility to, 1. Last evaluated: 2024-04-25. Review status: criteria provided, single submitter. Criteria: ACMG Guidelines, 2015. Collection method: clinical testing. Allele origin: germline. Inheritance: Autosomal dominant inheritance. Observed: 1 variant allele, 1 heterozygote.
Comment: This missense variant replaces tryptophan with arginine at codon 3285 of the RYR1 protein. Computational prediction suggests that this variant may have deleterious impact on protein structure and function (internally defined REVEL score threshold >= 0.7, PMID: 27666373). To our knowledge, functional studies have not been reported for this variant. This variant has not been reported in individuals affected with RYR1-related disorders in the literature. This variant has not been identified in the general population by the Genome Aggregation Database (gnomAD). The available evidence is insufficient to determine the role of this variant in disease conclusively. Therefore, this variant is classified as a Variant of Uncertain Significance.

This study involves interpretation of variants in research participants for the purpose of population health screening. Participant phenotype was not available at the time of variant classification. Additional details can be found in publication PMID: 35346344, PMCID: PMC8962531

GeneDx
Classification: Uncertain significance. Last evaluated: 2023-01-05. Review status: criteria provided, single submitter. Criteria: GeneDx Variant Classification Process June 2021. Collection method: clinical testing. Allele origin: germline. Affected: yes.
Comment: Not observed at significant frequency in large population cohorts (gnomAD); In silico analysis supports that this missense variant has a deleterious effect on protein structure/function; Has not been previously published as pathogenic or benign to our knowledge

Labcorp Genetics (formerly Invitae), Labcorp
Classification: Uncertain significance for RYR1-related disorder. Last evaluated: 2022-07-25. Review status: criteria provided, single submitter. Criteria: Invitae Variant Classification Sherloc (09022015). Collection method: clinical testing. Allele origin: germline.
Comment: In summary, the available evidence is currently insufficient to determine the role of this variant in disease. Therefore, it has been classified as a Variant of Uncertain Significance. Advanced modeling of protein sequence and biophysical properties (such as structural, functional, and spatial information, amino acid conservation, physicochemical variation, residue mobility, and thermodynamic stability) performed at Invitae indicates that this missense variant is expected to disrupt RYR1 protein function. ClinVar contains an entry for this variant (Variation ID: 1415861). This variant has not been reported in the literature in individuals affected with RYR1-related conditions. This variant is not present in population databases (gnomAD no frequency). This sequence change replaces tryptophan, which is neutral and slightly polar, with arginine, which is basic and polar, at codon 3285 of the RYR1 protein (p.Trp3285Arg).

NM_000540.3(RYR1):c.9853T>A (p.Trp3285Arg)

Gene: RYR1 (ryanodine receptor 1; plus strand). Cytogenetic location: 19q13.2.
Variant type: single nucleotide variant.
Coding change: c.9853T>A on transcript NM_000540.3 (MANE Select); coding-DNA position 9853, T replaced by A.
Protein change: p.Trp3285Arg; replaces tryptophan 3285 with arginine.
Molecular consequence: missense variant.
Genome position (GRCh38, 1-based): chr19:38,517,526, T>A. VCF-style: chr19-38517526-T-A. GRCh37 (hg19) VCF-style: chr19-39008166-T-A.
Other names: c.9853T>A, p.Trp3285Arg (NM_001042723.2); c.9853T>A (NM_000540.2); short protein forms W3285R.
Identifiers: ClinVar variation 1415861 (VCV001415861.7), dbSNP rs1356452031, ClinGen allele CA405692365.
Genomic context (GRCh38, chr19:38,517,526, plus strand): 5'-GAGATGCCGCATGTCATCGAGATCACGCTGCCCATGCTATGCAGCTACCTGCCCCGATGG[T>A]GGGAGCGCGGGCCCGAGGCACCCCCTTCCGCCCTGCCCGCCGGCGCCCCCCCACCCTGCA-3'
Protein context (NP_000531.2, residues 3275-3295): PMLCSYLPRW[Trp3285Arg]ERGPEAPPSA